The following is an entry in ClinVar:

NM_001041.4(SI):c.2734C>T (p.Gln912Ter)

Gene: SI (sucrase-isomaltase; minus strand). Cytogenetic location: 3q26.1.
Variant type: single nucleotide variant.
Coding change: c.2734C>T on transcript NM_001041.4 (MANE Select); coding-DNA position 2734, C replaced by T.
Protein change: p.Gln912Ter; replaces glutamine 912 with a stop codon.
Molecular consequence: nonsense.
Genome position (GRCh38, 1-based): chr3:165,032,524, G>A on the plus strand (C>T on the coding strand, the complement: SI is on the minus strand). VCF-style: chr3-165032524-G-A. GRCh37 (hg19) VCF-style: chr3-164750312-G-A.
Other names: short protein forms Q912*.
Identifiers: ClinVar variation 4727114 (VCV004727114.1).

ClinVar aggregate classification (germline): Pathogenic (1 of 4 stars; one submission).

Submission:

Labcorp Genetics (formerly Invitae), Labcorp
Classification: Pathogenic. Last evaluated: 2025-09-14. Review status: criteria provided, single submitter. Criteria: Invitae Variant Classification Sherloc (09022015). Collection method: clinical testing. Allele origin: germline.
Comment: This sequence change creates a premature translational stop signal (p.Gln912*) in the SI gene. It is expected to result in an absent or disrupted protein product. Loss-of-function variants in SI are known to be pathogenic (PMID: 16329100, 23103650, 25452324). This variant is not present in population databases (gnomAD no frequency). This variant has not been reported in the literature in individuals affected with SI-related conditions. Algorithms developed to predict the effect of sequence changes on RNA splicing suggest that this variant may disrupt the consensus splice site. For these reasons, this variant has been classified as Pathogenic.

Literature cited by the submitters: PubMed 16329100; PubMed 23103650; PubMed 25452324.